The following is an entry in ClinVar:

NM_012123.4(MTO1):c.1701G>T (p.Glu567Asp)

Gene: MTO1 (mitochondrial tRNA translation optimization 1; plus strand). Cytogenetic location: 6q13.
Variant type: single nucleotide variant.
Coding change: c.1701G>T on transcript NM_012123.4 (MANE Select); coding-DNA position 1701, G replaced by T.
Protein change: p.Glu567Asp; replaces glutamic acid 567 with aspartic acid.
Molecular consequence: missense variant.
Genome position (GRCh38, 1-based): chr6:73,492,297, G>T. VCF-style: chr6-73492297-G-T. GRCh37 (hg19) VCF-style: chr6-74202020-G-T.
Other names: c.1821G>T, p.Glu607Asp (NM_001123226.2); c.1776G>T, p.Glu592Asp (NM_133645.3); short protein forms E567D, E592D, E607D.
Identifiers: ClinVar variation 4686200 (VCV004686200.1).
Genomic context (GRCh38, chr6:73,492,297, plus strand): 5'-TCTCGATGTTCTGAAGTATGAGGAAGTTGACATGGATTCATTAGCCAAGGCTGTTCCAGA[G>T]CCCTTGAAGAAGTATACTAAATGTAGAGAGCTGGCTGAAAGACTGAAAATAGAAGGTAGA-3'
Protein context (NP_036255.2, residues 557-577): DMDSLAKAVP[Glu567Asp]PLKKYTKCRE

ClinVar aggregate classification (germline): Uncertain significance (1 of 4 stars; one submission).

gnomAD v4.1: 5 of 1,613,920 alleles (0.00031%); highest among the groups gnomAD compares: South Asian, 0.0055%; no homozygotes.

Submission:

GeneDx
Classification: Uncertain significance. Last evaluated: 2025-07-14. Review status: criteria provided, single submitter. Criteria: GeneDx Variant Classification Process June 2021. Collection method: clinical testing. Allele origin: germline. Affected: yes.
Comment: Not observed at significant frequency in large population cohorts (gnomAD); In silico analysis suggests that this missense variant does not alter protein structure/function; Has not been previously published as pathogenic or benign to our knowledge